The following is an entry in ClinVar:

ClinVar aggregate classification (germline): Uncertain significance. Review status: criteria provided, multiple submitters, no conflicts (2 of 4 stars). 2 submissions from 2 submitters: Uncertain significance (2). Last evaluated 2022-11-22.

Conditions:
Developmental and epileptic encephalopathy, 36 (DEE36). Also called: Congenital disorder of glycosylation, type Is; Epileptic encephalopathy, early infantile, 36; ALG13-CDG. Identifiers: Orphanet 324422, MedGen C4317295, MONDO:0010472, OMIM 300884.

Submissions (2):

Labcorp Genetics (formerly Invitae), Labcorp
Classification: Uncertain significance for Developmental and epileptic encephalopathy, 36. Last evaluated: 2022-11-22. Review status: criteria provided, single submitter. Criteria: Invitae Variant Classification Sherloc (09022015). Collection method: clinical testing. Allele origin: germline.
Comment: This variant has not been reported in the literature in individuals affected with ALG13-related conditions. This variant is not present in population databases (gnomAD no frequency). This sequence change replaces proline, which is neutral and non-polar, with leucine, which is neutral and non-polar, at codon 95 of the ALG13 protein (p.Pro95Leu). ClinVar contains an entry for this variant (Variation ID: 1303764). In summary, the available evidence is currently insufficient to determine the role of this variant in disease. Therefore, it has been classified as a Variant of Uncertain Significance. Algorithms developed to predict the effect of missense changes on protein structure and function are either unavailable or do not agree on the potential impact of this missense change (SIFT: "Deleterious"; PolyPhen-2: "Probably Damaging"; Align-GVGD: "Class C0").

GeneDx
Classification: Uncertain significance. Last evaluated: 2019-08-15. Review status: criteria provided, single submitter. Criteria: GeneDx Variant Classification Process June 2021. Collection method: clinical testing. Allele origin: germline. Affected: yes.
Comment: Not observed in large population cohorts (Lek et al., 2016); In silico analysis, which includes protein predictors and evolutionary conservation, supports a deleterious effect; Has not been previously published as pathogenic or benign to our knowledge

NM_001099922.3(ALG13):c.284C>T (p.Pro95Leu)

Gene: ALG13 (ALG13 UDP-N-acetylglucosaminyltransferase subunit; plus strand). Cytogenetic location: Xq23.
Variant type: single nucleotide variant.
Coding change: c.284C>T on transcript NM_001099922.3 (MANE Select); coding-DNA position 284, C replaced by T.
Protein change: p.Pro95Leu; replaces proline 95 with leucine.
Molecular consequence: missense variant. On other transcripts: synonymous variant (1), 5 prime UTR variant (9), non-coding transcript variant (3).
Genome position (GRCh38, 1-based): chrX:111,685,004, C>T. VCF-style: chrX-111685004-C-T. GRCh37 (hg19) VCF-style: chrX-110928232-C-T.
Other names: c.225C>T, p.Ala75= (NM_001039210.5); c.284C>T, p.Pro95Leu (NM_001168385.3, NM_001324292.2, NM_018466.6); c.-29C>T (NM_001257230.2, NM_001257234.2, NM_001257235.3 and 6 more transcripts); c.50C>T, p.Pro17Leu (NM_001257231.2, NM_001257241.3); c.290C>T, p.Pro97Leu (NM_001324290.2); short protein forms P17L, P95L, P97L.
Identifiers: ClinVar variation 1303764 (VCV001303764.6), dbSNP rs2147692312, ClinGen allele CA414248617.